The following is an entry in ClinVar:

NM_003900.5(SQSTM1):c.309_311del (p.Glu104del)

Gene: SQSTM1 (sequestosome 1; plus strand). Cytogenetic location: 5q35.3.
Variant type: Deletion.
Coding change: c.309_311del on transcript NM_003900.5 (MANE Select); coding-DNA positions 309 to 311, 3 bases deleted (AGA; older notation c.309_311delAGA).
Protein change: p.Glu104del; deletes glutamic acid 104.
Molecular consequence: inframe deletion.
Genome position (GRCh38, 1-based): chr5:179,823,865-179,823,867, AGA deleted; deleting any 3 consecutive bases within chr5:179,823,864-179,823,867 gives the same sequence; the c. name uses the placement nearest the transcript's 3' end. VCF-style (leftmost placement, unchanged base first): chr5-179823863-AAAG-A. GRCh37 (hg19) VCF-style: chr5-179250863-AAAG-A.
Other names: c.57_59del, p.Glu20del (NM_001142298.2, NM_001142299.2); short protein forms E104del, E20del.
Identifiers: ClinVar variation 1054742 (VCV001054742.9), dbSNP rs2113487449, ClinGen allele CA2499217806.

ClinVar aggregate classification (germline): Uncertain significance (1 of 4 stars; one submission).

Conditions:
Paget disease of bone 2, early-onset (PDB2). Also called: Paget disease of bone 2. Identifiers: MedGen C4085251, MONDO:0011183, OMIM 602080.
Frontotemporal dementia and/or amyotrophic lateral sclerosis 1 (FTDALS1). Also called: Frontotemporal dementia with motor neuron disease 1; C9orf72 Frontotemporal Dementia and/or Amyotrophic Lateral Sclerosis. Identifiers: Orphanet 275872, MedGen C5779877, MONDO:0007105, OMIM 105550.

Submission:

Labcorp Genetics (formerly Invitae), Labcorp
Classification: Uncertain significance for Paget disease of bone 2, early-onset; Frontotemporal dementia and/or amyotrophic lateral sclerosis 1. Last evaluated: 2023-06-24. Review status: criteria provided, single submitter. Criteria: Invitae Variant Classification Sherloc (09022015). Collection method: clinical testing. Allele origin: germline.
Comment: ClinVar contains an entry for this variant (Variation ID: 1054742). Experimental studies and prediction algorithms are not available or were not evaluated, and the functional significance of this variant is currently unknown. In summary, the available evidence is currently insufficient to determine the role of this variant in disease. Therefore, it has been classified as a Variant of Uncertain Significance. This variant has not been reported in the literature in individuals affected with SQSTM1-related conditions. This variant, c.309_311del, results in the deletion of 1 amino acid(s) of the SQSTM1 protein (p.Glu104del), but otherwise preserves the integrity of the reading frame. This variant is not present in population databases (gnomAD no frequency).